The following is an entry in ClinVar:

ClinVar aggregate classification (germline): Uncertain significance. Review status: criteria provided, multiple submitters, no conflicts (2 of 4 stars). 3 submissions from 3 submitters: Uncertain significance (3). Last evaluated 2025-08-22.

Conditions:
Inborn genetic diseases. Identifiers: MedGen C0950123, MeSH D030342.

gnomAD v4.1: 89 of 1,607,028 alleles (0.0055%); highest among the groups gnomAD compares: Non-Finnish European, 0.0075%; no homozygotes.

Submissions (3):

Ambry Genetics
Classification: Uncertain significance for Inborn genetic diseases. Last evaluated: 2025-08-22. Review status: criteria provided, single submitter. Criteria: Ambry Variant Classification Scheme 2023. Collection method: clinical testing. Allele origin: germline.

Women's Health and Genetics/Laboratory Corporation of America, LabCorp
Classification: Uncertain significance. Last evaluated: 2025-05-20. Review status: criteria provided, single submitter. Criteria: LabCorp Variant Classification Summary - May 2015. Collection method: clinical testing. Allele origin: germline.
Comment: Variant summary: WNK4 c.76C>T (p.Pro26Ser) results in a non-conservative amino acid change in the encoded protein sequence. Algorithms developed to predict the effect of missense changes on protein structure and function are either unavailable or do not agree on the potential impact of this missense change. The variant allele was found at a frequency of 1.7e-05 in 230368 control chromosomes. The available data on variant occurrences in the general population are insufficient to allow any conclusion about variant significance. To our knowledge, no occurrence of c.76C>T in individuals affected with Pseudohypoaldosteronism Type 2B and no experimental evidence demonstrating its impact on protein function have been reported. No submitters have cited clinical-significance assessments for this variant to ClinVar. Based on the evidence outlined above, the variant was classified as uncertain significance.

Labcorp Genetics (formerly Invitae), Labcorp
Classification: Uncertain significance. Last evaluated: 2025-04-02. Review status: criteria provided, single submitter. Criteria: Invitae Variant Classification Sherloc (09022015). Collection method: clinical testing. Allele origin: germline.
Comment: This sequence change replaces proline, which is neutral and non-polar, with serine, which is neutral and polar, at codon 26 of the WNK4 protein (p.Pro26Ser). This variant is present in population databases (rs756995575, gnomAD 0.004%). This variant has not been reported in the literature in individuals affected with WNK4-related conditions. Invitae Evidence Modeling of protein sequence and biophysical properties (such as structural, functional, and spatial information, amino acid conservation, physicochemical variation, residue mobility, and thermodynamic stability) indicates that this missense variant is not expected to disrupt WNK4 protein function with a negative predictive value of 95%. In summary, the available evidence is currently insufficient to determine the role of this variant in disease. Therefore, it has been classified as a Variant of Uncertain Significance.

NM_032387.5(WNK4):c.76C>T (p.Pro26Ser)

Gene: WNK4 (WNK lysine deficient protein kinase 4; plus strand). Cytogenetic location: 17q21.2.
Variant type: single nucleotide variant.
Coding change: c.76C>T on transcript NM_032387.5 (MANE Select); coding-DNA position 76, C replaced by T.
Protein change: p.Pro26Ser; replaces proline 26 with serine.
Molecular consequence: missense variant. On other transcripts: 5 prime UTR variant (1).
Genome position (GRCh38, 1-based): chr17:42,780,774, C>T. VCF-style: chr17-42780774-C-T. GRCh37 (hg19) VCF-style: chr17-40932792-C-T.
Other names: c.-844C>T (NM_001321299.2); c.76C>T (NM_032387.4); short protein forms P26S.
Identifiers: ClinVar variation 3902118 (VCV003902118.3).
Genomic context (GRCh38, chr17:42,780,774, plus strand): 5'-GCCACGGAGACCACCGTCCTCATGTCCCAGACTGAGGCCGACCTGGCCCTGCGGCCCCCG[C>T]CTCCTCTTGGCACCGCGGGGCAGCCCCGCCTCGGGCCCCCTCCTCGCCGAGCGCGCCGCT-3'
Protein context (NP_115763.2, residues 16-36): TEADLALRPP[Pro26Ser]PLGTAGQPRL